The following is an entry in ClinVar:

ClinVar aggregate classification (germline): Likely benign (1 of 4 stars; one submission).

Allele frequency attached by ClinVar (database versions not stated): ExAC 0.00001.

Submission:

CeGaT Center for Human Genetics Tuebingen
Classification: Likely benign. Last evaluated: 2023-09-01. Review status: criteria provided, single submitter. Criteria: CeGaT Center For Human Genetics Tuebingen Variant Classification Criteria Version 2. Collection method: clinical testing. Allele origin: germline. Affected: yes. Observed: 1 variant allele.
Comment: TRIP13: BP4, BP7

NM_004237.4(TRIP13):c.747G>A (p.Val249=)

Gene: TRIP13 (thyroid hormone receptor interactor 13; plus strand). Cytogenetic location: 5p15.33.
Variant type: single nucleotide variant.
Coding change: c.747G>A on transcript NM_004237.4 (MANE Select); coding-DNA position 747, G replaced by A.
Protein change: p.Val249=; no amino-acid change (valine 249 retained).
Molecular consequence: synonymous variant.
Genome position (GRCh38, 1-based): chr5:908,062, G>A. VCF-style: chr5-908062-G-A. GRCh37 (hg19) VCF-style: chr5-908177-G-A.
Other names: c.747G>A, p.Val249= (NM_001166260.2).
Identifiers: ClinVar variation 2655261 (VCV002655261.24), dbSNP rs761215009, ClinGen allele CA3179970.